The following is an entry in ClinVar:

ClinVar aggregate classification (germline): Uncertain significance. Review status: criteria provided, multiple submitters, no conflicts (2 of 4 stars). 2 submissions from 2 submitters: Uncertain significance (2). Last evaluated 2025-08-15.

Conditions:
Inborn genetic diseases. Identifiers: MedGen C0950123, MeSH D030342.

gnomAD v4.1: 1 of 1,614,168 alleles (0.000062%); highest among the groups gnomAD compares: Non-Finnish European, 0.000085%; no homozygotes.

Submissions (2):

Labcorp Genetics (formerly Invitae), Labcorp
Classification: Uncertain significance. Last evaluated: 2025-08-15. Review status: criteria provided, single submitter. Criteria: Invitae Variant Classification Sherloc (09022015). Collection method: clinical testing. Allele origin: germline.
Comment: This sequence change replaces cysteine, which is neutral and slightly polar, with tyrosine, which is neutral and polar, at codon 38 of the HPS4 protein (p.Cys38Tyr). This variant is not present in population databases (gnomAD no frequency). This variant has not been reported in the literature in individuals affected with HPS4-related conditions. An algorithm developed to predict the effect of missense changes on protein structure and function (PolyPhen-2) suggests that this variant is likely to be disruptive. In summary, the available evidence is currently insufficient to determine the role of this variant in disease. Therefore, it has been classified as a Variant of Uncertain Significance.

Ambry Genetics
Classification: Uncertain significance for Inborn genetic diseases. Last evaluated: 2025-08-11. Review status: criteria provided, single submitter. Criteria: Ambry Variant Classification Scheme 2023. Collection method: clinical testing. Allele origin: germline.

NM_022081.6(HPS4):c.113G>A (p.Cys38Tyr)

Gene: HPS4 (HPS4 biogenesis of lysosomal organelles complex 3 subunit 2; minus strand). Cytogenetic location: 22q12.1.
Variant type: single nucleotide variant.
Coding change: c.113G>A on transcript NM_022081.6 (MANE Select); coding-DNA position 113, G replaced by A.
Protein change: p.Cys38Tyr; replaces cysteine 38 with tyrosine.
Molecular consequence: missense variant. On other transcripts: non-coding transcript variant (8).
Genome position (GRCh38, 1-based): chr22:26,479,284, C>T on the plus strand (G>A on the coding strand, the complement: HPS4 is on the minus strand). VCF-style: chr22-26479284-C-T. GRCh37 (hg19) VCF-style: chr22-26875250-C-T.
Other names: c.113G>A, p.Cys38Tyr (NM_001349903.2, NM_001349904.2, NM_001349905.1 and 7 more transcripts); c.98G>A, p.Cys33Tyr (NM_152841.2); short protein forms C38Y, C33Y.
Identifiers: ClinVar variation 4272058 (VCV004272058.2).